The following is an entry in ClinVar:

NM_001388492.1(HTT):c.54GCA[25] (p.Gln33_Gln38dup)

Genes: HTT (huntingtin; plus strand), LOC129929027 (ATAC-STARR-seq lymphoblastoid silent region 15199; plus strand), LOC109461479 (huntingtin repeat instability region; plus strand). Cytogenetic location: 4p16.3.
Variant type: Microsatellite.
Coding change: c.54GCA[25] on transcript NM_001388492.1 (MANE Select); 25 copies in a row of the 3-base unit GCA starting at c.54.
Protein change: p.Gln33_Gln38dup.
Molecular consequence: inframe insertion.
Genome position: GRCh38 VCF-style: chr4-3074876-C-CCAGCAGCAGCAG. GRCh37 (hg19) VCF-style: chr4-3076603-C-CCAGCAGCAGCAG.
Other names: c.51_52insCAGCAG (NM_002111.8); c.54GCA[25], p.Gln37_Gln40dup (NM_002111.8).
Identifiers: ClinVar variation 1690808 (VCV001690808.5), dbSNP rs71180116, ClinGen allele CA438359732.

ClinVar aggregate classification (germline): Benign/Likely benign. Review status: criteria provided, multiple submitters, no conflicts (2 of 4 stars). 4 submissions from 4 submitters: Benign (3); Likely benign (1). Last evaluated 2026-09-23.

Conditions:
Huntington disease (HD). Also called: HUNTINGTON CHOREA; Huntington's chorea; Huntington's disease. Identifiers: Orphanet 248111, Orphanet 399, MedGen C0020179, MONDO:0007739, OMIM 143100.

Submissions (4):

Department Of Human Genetics, Institute Of Clinical And Translational Research, Biomedical Research Center, Slovak Academy Of Sciences
Classification: Benign for Huntington disease. Last evaluated: 2026-09-23. Review status: criteria provided, single submitter. Criteria: ACMG Guidelines for Huntington disease, 2014. Collection method: research. Allele origin: germline. Inheritance: Autosomal dominant inheritance.
Comment: The NC_000004.12.g.3074878_3074940AGC[23]AAC[1]AGC[1] allele represents a complex trinucleotide repeat sequence in the HTT (huntingtin) gene. The repeat tract consists of 23 consecutive AGC repeats, followed by one AAC repeat and one additional AGC repeat. This sequence corresponds to 23 uninterrupted glutamine-encoding units or 25 interrupted glutamine-encoding repeat units (this count the AAC interruption and the additional AGC to the total number of repeats on the DNA level, while all resulting in glutamine residues at the protein level). Huntington disease (HD) is an autosomal dominant neurodegenerative disorder caused by an expansion of the CAG trinucleotide repeat in exon 1 of the HTT gene. HTT alleles containing 26 or fewer CAG repeats are considered within the normal range, whereas alleles containing 27–35 repeats are classified as intermediate/premutation, 36-39 repeats as reduced-penetrance pathogenic alleles, and 40 or more repeats as full-penetrance pathogenic alleles. This allele falls into the benign range both when considering the 23 uninterrupted as well as the 25 interrupted glutamine-encoding repeats. The allele reached 2.13% frequency in the general population of Slovakia (in 609 genotyped alleles).

Laboratory of Genetics, Children's Clinical University Hospital Latvia
Classification: Benign. Last evaluated: 2025-02-16. Review status: criteria provided, single submitter. Criteria: ACMG Guidelines, 2015. Collection method: clinical testing. Allele origin: germline. Affected: yes.

Blueprint Genetics
Classification: Likely benign. Last evaluated: 2024-11-26. Review status: criteria provided, single submitter. Criteria: ACMG Guidelines, 2015. Collection method: clinical testing. Allele origin: germline.

Laboratorio de Genetica e Diagnostico Molecular, Hospital Israelita Albert Einstein
Classification: Benign. Last evaluated: 2020-02-16. Review status: criteria provided, single submitter. Criteria: ACMG Guidelines, 2015. Collection method: clinical testing. Allele origin: germline. Affected: yes.
Comment: ACMG classification criteria: BA1